The following is an entry in ClinVar:

NM_017950.4(CCDC40):c.1228G>A (p.Asp410Asn)

Gene: CCDC40 (coiled-coil domain 40 molecular ruler complex subunit; plus strand). Cytogenetic location: 17q25.3.
Variant type: single nucleotide variant.
Coding change: c.1228G>A on transcript NM_017950.4 (MANE Select); coding-DNA position 1228, G replaced by A.
Protein change: p.Asp410Asn; replaces aspartic acid 410 with asparagine.
Molecular consequence: missense variant.
Genome position (GRCh38, 1-based): chr17:80,058,562, G>A. VCF-style: chr17-80058562-G-A. GRCh37 (hg19) VCF-style: chr17-78032361-G-A.
Other names: c.1228G>A, p.Asp410Asn (NM_001243342.2, NM_001330508.2); short protein forms D410N.
Identifiers: ClinVar variation 1061235 (VCV001061235.9), dbSNP rs370948871, ClinGen allele CA8813742.

ClinVar aggregate classification (germline): Uncertain significance. Review status: criteria provided, multiple submitters, no conflicts (2 of 4 stars). 3 submissions from 3 submitters: Uncertain significance (3). Last evaluated 2024-12-10.

Conditions:
Primary ciliary dyskinesia. Also called: Ciliary dyskinesia. Identifiers: Orphanet 244, MedGen C0008780, MONDO:0016575, HP:0012265.
Primary ciliary dyskinesia 15. Also called: CILIARY DYSKINESIA, PRIMARY, 15, WITH OR WITHOUT SITUS INVERSUS. Identifiers: Orphanet 244, MedGen C3151137, MONDO:0013435, OMIM 613808.

Allele frequency attached by ClinVar (database versions not stated): gnomAD exomes 0.00002 and 0.00008; ExAC 0.00010; gnomAD 0.00021 and 0.00024; TOPMed 0.00021; ESP Exome Variant Server 0.00024.
gnomAD v4.1: 67 of 1,614,054 alleles (0.0042%); highest among the groups gnomAD compares: African/African-American, 0.063%; no homozygotes.

Submissions (3):

Ambry Genetics
Classification: Uncertain significance for Primary ciliary dyskinesia. Last evaluated: 2024-12-10. Review status: criteria provided, single submitter. Criteria: Ambry Variant Classification Scheme 2023. Collection method: clinical testing. Allele origin: germline.

Labcorp Genetics (formerly Invitae), Labcorp
Classification: Uncertain significance for Primary ciliary dyskinesia. Last evaluated: 2024-02-23. Review status: criteria provided, single submitter. Criteria: Invitae Variant Classification Sherloc (09022015). Collection method: clinical testing. Allele origin: germline.
Comment: This sequence change replaces aspartic acid, which is acidic and polar, with asparagine, which is neutral and polar, at codon 410 of the CCDC40 protein (p.Asp410Asn). This variant is present in population databases (rs370948871, gnomAD 0.06%). This variant has not been reported in the literature in individuals affected with CCDC40-related conditions. ClinVar contains an entry for this variant (Variation ID: 1061235). Advanced modeling of protein sequence and biophysical properties (such as structural, functional, and spatial information, amino acid conservation, physicochemical variation, residue mobility, and thermodynamic stability) performed at Invitae indicates that this missense variant is not expected to disrupt CCDC40 protein function with a negative predictive value of 80%. In summary, the available evidence is currently insufficient to determine the role of this variant in disease. Therefore, it has been classified as a Variant of Uncertain Significance.

Fulgent Genetics
Classification: Uncertain significance for Primary ciliary dyskinesia 15. Last evaluated: 2021-12-10. Review status: criteria provided, single submitter. Criteria: ACMG Guidelines, 2015. Collection method: clinical testing. Allele origin: unknown.